The following is an entry in ClinVar:

ClinVar aggregate classification (germline): Uncertain significance (1 of 4 stars; one submission).

Conditions:
Hereditary motor and sensory neuropathy, Okinawa type (HMSNO). Also called: HEREDITARY MOTOR AND SENSORY NEUROPATHY, PROXIMAL TYPE. Identifiers: Orphanet 90117, MedGen C1858338, MONDO:0011468, OMIM 604484.
Hereditary spastic paraplegia 57. Also called: Spastic paraplegia 57, autosomal recessive. Identifiers: Orphanet 431329, MedGen C3714897, MONDO:0014295, OMIM 615658.

Submission:

Labcorp Genetics (formerly Invitae), Labcorp
Classification: Uncertain significance for Hereditary motor and sensory neuropathy, Okinawa type; Hereditary spastic paraplegia 57. Last evaluated: 2024-04-25. Review status: criteria provided, single submitter. Criteria: Invitae Variant Classification Sherloc (09022015). Collection method: clinical testing. Allele origin: germline.
Comment: This sequence change replaces alanine, which is neutral and non-polar, with valine, which is neutral and non-polar, at codon 211 of the TFG protein (p.Ala211Val). This variant is not present in population databases (gnomAD no frequency). This variant has not been reported in the literature in individuals affected with TFG-related conditions. Advanced modeling of protein sequence and biophysical properties (such as structural, functional, and spatial information, amino acid conservation, physicochemical variation, residue mobility, and thermodynamic stability) performed at Invitae indicates that this missense variant is not expected to disrupt TFG protein function with a negative predictive value of 80%. In summary, the available evidence is currently insufficient to determine the role of this variant in disease. Therefore, it has been classified as a Variant of Uncertain Significance.

NM_006070.6(TFG):c.632C>T (p.Ala211Val)

Gene: TFG (trafficking from ER to golgi regulator; plus strand). Cytogenetic location: 3q12.2.
Variant type: single nucleotide variant.
Coding change: c.632C>T on transcript NM_006070.6 (MANE Select); coding-DNA position 632, C replaced by T.
Protein change: p.Ala211Val; replaces alanine 211 with valine.
Molecular consequence: missense variant.
Genome position (GRCh38, 1-based): chr3:100,736,627, C>T. VCF-style: chr3-100736627-C-T. GRCh37 (hg19) VCF-style: chr3-100455471-C-T.
Other names: c.632C>T, p.Ala211Val (NM_001007565.2, NM_001195478.2, NM_001195479.2); short protein forms A211V.
Identifiers: ClinVar variation 3752523 (VCV003752523.2).